The following is an entry in ClinVar:

NM_000059.4(BRCA2):c.7988A>G (p.Glu2663Gly)

Gene: BRCA2 (BRCA2 DNA repair associated; plus strand). Cytogenetic location: 13q13.1.
Variant type: single nucleotide variant.
Coding change: c.7988A>G on transcript NM_000059.4 (MANE Select); coding-DNA position 7988, A replaced by G.
Protein change: p.Glu2663Gly; replaces glutamic acid 2663 with glycine.
Molecular consequence: missense variant.
Genome position (GRCh38, 1-based): chr13:32,363,190, A>G. VCF-style: chr13-32363190-A-G. GRCh37 (hg19) VCF-style: chr13-32937327-A-G.
Other names: c.7988A>G (NM_000059.3); short protein forms E2663G.
Identifiers: ClinVar variation 1018624 (VCV001018624.10), dbSNP rs80359031, ClinGen allele CA387748557.

ClinVar aggregate classification (germline): Uncertain significance. Review status: criteria provided, multiple submitters, no conflicts (2 of 4 stars). 2 submissions from 2 submitters: Uncertain significance (2). Last evaluated 2024-12-26.

Conditions:
Hereditary breast ovarian cancer syndrome. Also called: BRCA1- and BRCA2-Associated Hereditary Breast and Ovarian Cancer; Hereditary breast and/or ovarian cancer syndrome; Hereditary breast and ovarian cancer syndrome; Hereditary breast and ovarian cancer; Hereditary breast and ovarian cancer syndrome (HBOC); Breast and ovarian cancer. Identifiers: Orphanet 145, MedGen C0677776, MeSH D061325, MONDO:0003582. Disease mechanism: loss of function.

Submissions (2):

Labcorp Genetics (formerly Invitae), Labcorp
Classification: Uncertain significance for Hereditary breast ovarian cancer syndrome. Last evaluated: 2024-12-26. Review status: criteria provided, single submitter. Criteria: Invitae Variant Classification Sherloc (09022015). Collection method: clinical testing. Allele origin: germline.
Comment: This sequence change replaces glutamic acid, which is acidic and polar, with glycine, which is neutral and non-polar, at codon 2663 of the BRCA2 protein (p.Glu2663Gly). This variant is not present in population databases (gnomAD no frequency). This variant has not been reported in the literature in individuals affected with BRCA2-related conditions. ClinVar contains an entry for this variant (Variation ID: 1018624). Invitae Evidence Modeling of protein sequence and biophysical properties (such as structural, functional, and spatial information, amino acid conservation, physicochemical variation, residue mobility, and thermodynamic stability) has been performed for this missense variant. However, the output from this modeling did not meet the statistical confidence thresholds required to predict the impact of this variant on BRCA2 protein function. In summary, the available evidence is currently insufficient to determine the role of this variant in disease. Therefore, it has been classified as a Variant of Uncertain Significance.

Quest Diagnostics Nichols Institute San Juan Capistrano
Classification: Uncertain significance. Last evaluated: 2024-02-02. Review status: criteria provided, single submitter. Criteria: Quest Diagnostics criteria. Collection method: clinical testing. Allele origin: unknown.
Comment: The BRCA2 c.7988A>G (p.Glu2663Gly) variant has been reported in the published literature in individuals and families affected with breast and/or ovarian cancer (PMIDs: 37719058 (2023), 31409081 (2019), 30638113 (2019)). This variant has not been reported in large, multi-ethnic general populations (Genome Aggregation Database). Analysis of this variant using bioinformatics tools for the prediction of the effect of amino acid changes on protein structure and function yielded predictions that this variant is damaging. Based on the available information, we are unable to determine the clinical significance of this variant.

Literature cited by the submitters: PubMed 30638113 (cited by Quest Diagnostics Nichols Institute San Juan Capistrano); PubMed 37719058 (cited by Quest Diagnostics Nichols Institute San Juan Capistrano); PubMed 31409081 (cited by Quest Diagnostics Nichols Institute San Juan Capistrano).